The following is an entry in ClinVar:

NM_181703.4(GJA5):c.824C>G (p.Pro275Arg)

Genes: GJA5 (gap junction protein alpha 5; minus strand), LOC122128420 (Sharpr-MPRA regulatory region 3144; plus strand). Cytogenetic location: 1q21.2.
Variant type: single nucleotide variant.
Coding change: c.824C>G on transcript NM_181703.4 (MANE Select); coding-DNA position 824, C replaced by G.
Protein change: p.Pro275Arg; replaces proline 275 with arginine.
Molecular consequence: missense variant.
Genome position (GRCh38, 1-based): chr1:147,758,415, G>C on the plus strand (C>G on the coding strand, the complement: GJA5 is on the minus strand). VCF-style: chr1-147758415-G-C. GRCh37 (hg19) VCF-style: chr1-147230523-G-C.
Other names: c.824C>G, p.Pro275Arg (NM_005266.7); short protein forms P275R.
Identifiers: ClinVar variation 2171831 (VCV002171831.4), dbSNP rs1386910689, ClinGen allele CA342394458.

ClinVar aggregate classification (germline): Uncertain significance (1 of 4 stars; one submission).

Conditions:
Atrial fibrillation, familial, 11 (ATFB11). Identifiers: MedGen C3279693, MONDO:0013544, OMIM 614049.
Atrial standstill 1 (ATRST1). Also called: Atrial standstill, digenic (GJA5/SCN5A); ATRIAL CARDIOMYOPATHY WITH HEART BLOCK; CARDIOMYOPATHY, FAMILIAL, WITH CONDUCTION DISTURBANCE. Identifiers: Orphanet 1344, MedGen C4551959, MONDO:0007171, OMIM 108770.

Allele frequency attached by ClinVar (database versions not stated): gnomAD exomes below 0.00001; gnomAD 0.00001; TOPMed 0.00001.
gnomAD v4.1: 3 of 1,614,036 alleles (0.00019%); highest among the groups gnomAD compares: Admixed American, 0.0033%; no homozygotes.

Submission:

Labcorp Genetics (formerly Invitae), Labcorp
Classification: Uncertain significance for Atrial fibrillation, familial, 11; Atrial standstill 1. Last evaluated: 2025-09-02. Review status: criteria provided, single submitter. Criteria: Invitae Variant Classification Sherloc (09022015). Collection method: clinical testing. Allele origin: germline.
Comment: This sequence change replaces proline, which is neutral and non-polar, with arginine, which is basic and polar, at codon 275 of the GJA5 protein (p.Pro275Arg). This variant is present in population databases (no rsID available, gnomAD 0.003%). This variant has not been reported in the literature in individuals affected with GJA5-related conditions. ClinVar contains an entry for this variant (Variation ID: 2171831). Invitae Evidence Modeling of protein sequence and biophysical properties (such as structural, functional, and spatial information, amino acid conservation, physicochemical variation, residue mobility, and thermodynamic stability) indicates that this missense variant is not expected to disrupt GJA5 protein function with a negative predictive value of 80%. In summary, the available evidence is currently insufficient to determine the role of this variant in disease. Therefore, it has been classified as a Variant of Uncertain Significance.